The following is an entry in ClinVar:

NM_004656.4(BAP1):c.1225G>A (p.Val409Met)

Gene: BAP1 (BRCA1 associated deubiquitinase 1; minus strand). Cytogenetic location: 3p21.1.
Variant type: single nucleotide variant.
Coding change: c.1225G>A on transcript NM_004656.4 (MANE Select); coding-DNA position 1225, G replaced by A.
Protein change: p.Val409Met; replaces valine 409 with methionine.
Molecular consequence: missense variant.
Genome position (GRCh38, 1-based): chr3:52,404,478, C>T on the plus strand (G>A on the coding strand, the complement: BAP1 is on the minus strand). VCF-style: chr3-52404478-C-T. GRCh37 (hg19) VCF-style: chr3-52438494-C-T.
Other names: c.1225G>A (LRG_529t1); short protein forms V409M.
Identifiers: ClinVar variation 485267 (VCV000485267.25), dbSNP rs756443059, ClinGen allele CA2436864.

ClinVar aggregate classification (germline): Conflicting classifications of pathogenicity. Review status: criteria provided, conflicting classifications (1 of 4 stars). 7 submissions from 7 submitters: Uncertain significance (5); Likely benign (2). Last evaluated 2026-01-16.

Conditions:
Hereditary cancer-predisposing syndrome. Also called: Neoplastic Syndromes, Hereditary; Tumor predisposition; Hereditary Cancer Syndrome; Hereditary neoplastic syndrome. Identifiers: Orphanet 140162, MedGen C0027672, MeSH D009386, MONDO:0015356.
BAP1-related tumor predisposition syndrome (TPDS1). Also called: Tumor susceptibility linked to germline BAP1 mutations; BAP1 tumor predisposition syndrome; COMMON Syndrome; TUMOR PREDISPOSITION SYNDROME 1. Identifiers: Orphanet 289539, MedGen C3280492, MONDO:0013692, OMIM 614327.

Allele frequency attached by ClinVar (database versions not stated): gnomAD exomes 0.00001; ExAC 0.00002; gnomAD 0.00002; TOPMed 0.00002.

Submissions (7):

Labcorp Genetics (formerly Invitae), Labcorp
Classification: Uncertain significance for BAP1-related tumor predisposition syndrome. Last evaluated: 2026-01-16. Review status: criteria provided, single submitter. Criteria: Invitae Variant Classification Sherloc (09022015). Collection method: clinical testing. Allele origin: germline.
Comment: This sequence change replaces valine, which is neutral and non-polar, with methionine, which is neutral and non-polar, at codon 409 of the BAP1 protein (p.Val409Met). This variant is present in population databases (rs756443059, gnomAD 0.004%). This variant has not been reported in the literature in individuals affected with BAP1-related conditions. ClinVar contains an entry for this variant (Variation ID: 485267). Invitae Evidence Modeling of protein sequence and biophysical properties (such as structural, functional, and spatial information, amino acid conservation, physicochemical variation, residue mobility, and thermodynamic stability) indicates that this missense variant is not expected to disrupt BAP1 protein function with a negative predictive value of 80%. In summary, the available evidence is currently insufficient to determine the role of this variant in disease. Therefore, it has been classified as a Variant of Uncertain Significance.

Myriad Genetics, Inc.
Classification: Likely benign for BAP1-related tumor predisposition syndrome. Last evaluated: 2024-07-16. Review status: criteria provided, single submitter. Criteria: Myriad Autosomal Dominant, Autosomal Recessive and X-Linked Classification Criteria (2023). Collection method: clinical testing. Allele origin: unknown.
Comment: This variant is considered likely benign. This variant has been observed at a population frequency that is significantly greater than expected given the associated disease prevalence and penetrance.

Baylor Genetics
Classification: Uncertain significance for BAP1-related tumor predisposition syndrome. Last evaluated: 2024-03-24. Review status: criteria provided, single submitter. Criteria: ACMG Guidelines, 2015. Collection method: clinical testing. Allele origin: unknown. Study: CSER-TexasKidsCanSeq.

GeneDx
Classification: Uncertain significance. Last evaluated: 2024-01-08. Review status: criteria provided, single submitter. Criteria: GeneDx Variant Classification Process June 2021. Collection method: clinical testing. Allele origin: germline. Affected: yes.
Comment: Not observed at significant frequency in large population cohorts (gnomAD); In silico analysis supports that this missense variant does not alter protein structure/function; Has not been previously published as pathogenic or benign to our knowledge

Color Diagnostics, LLC DBA Color Health
Classification: Uncertain significance for Hereditary cancer-predisposing syndrome. Last evaluated: 2024-01-05. Review status: criteria provided, single submitter. Criteria: ACMG Guidelines, 2015. Collection method: clinical testing. Allele origin: germline.
Comment: This missense variant replaces valine with methionine at codon 409 of the BAP1 protein. Computational prediction suggests that this variant may not impact protein structure and function. To our knowledge, functional studies have not been reported for this variant. This variant has not been reported in individuals affected with hereditary cancer in the literature. This variant has been identified in 4/280326 chromosomes in the general population by the Genome Aggregation Database (gnomAD). The available evidence is insufficient to determine the role of this variant in disease conclusively. Therefore, this variant is classified as a Variant of Uncertain Significance.

Ambry Genetics
Classification: Likely benign for Hereditary cancer-predisposing syndrome. Last evaluated: 2023-12-13. Review status: criteria provided, single submitter. Criteria: Ambry Variant Classification Scheme 2023. Collection method: clinical testing. Allele origin: germline.

Sema4
Classification: Uncertain significance for Hereditary cancer-predisposing syndrome. Last evaluated: 2021-10-18. Review status: criteria provided, single submitter. Criteria: Sema4 Curation Guidelines. Collection method: curation. Allele origin: germline.
Comment: The BAP1 c.1225G>A (p.V409M) variant has not been reported in the literature to our knowledge. It was observed in 4/126696 chromosomes of the Non-Finnish European subpopulation in the large and broad cohorts of the Genome Aggregation Database (PMID: 32461654). The variant has been reported in ClinVar (Variation ID 485267). Functional studies have not been performed, and in silico predictions of the variant's effect on protein function are inconclusive. The evidence is insufficient to meet ACMG/AMP criteria for classifying the variant as benign or pathogenic. Thus, the clinical significance of this variant is currently uncertain.